The following is an entry in ClinVar:

ClinVar aggregate classification (germline): Uncertain significance (1 of 4 stars; one submission).

Allele frequency attached by ClinVar (database versions not stated): gnomAD 0.00001; TOPMed 0.00001.
gnomAD v4.1: 17 of 1,607,406 alleles (0.0011%); highest among the groups gnomAD compares: Admixed American, 0.027%; no homozygotes.

Submission:

Labcorp Genetics (formerly Invitae), Labcorp
Classification: Uncertain significance. Last evaluated: 2025-01-29. Review status: criteria provided, single submitter. Criteria: Invitae Variant Classification Sherloc (09022015). Collection method: clinical testing. Allele origin: germline.
Comment: This sequence change replaces alanine, which is neutral and non-polar, with valine, which is neutral and non-polar, at codon 6 of the LTBP4 protein (p.Ala6Val). This variant is not present in population databases (gnomAD no frequency). This variant has not been reported in the literature in individuals affected with LTBP4-related conditions. ClinVar contains an entry for this variant (Variation ID: 1417945). Experimental studies and prediction algorithms are not available or were not evaluated, and the functional significance of this variant is currently unknown. In summary, the available evidence is currently insufficient to determine the role of this variant in disease. Therefore, it has been classified as a Variant of Uncertain Significance.

NM_003573.2(LTBP4):c.17C>T (p.Ala6Val)

Gene: LTBP4 (latent transforming growth factor beta binding protein 4; plus strand). Cytogenetic location: 19q13.2.
Variant type: single nucleotide variant.
Coding change: c.17C>T on transcript NM_003573.2; coding-DNA position 17, C replaced by T.
Protein change: p.Ala6Val; replaces alanine 6 with valine.
Molecular consequence: missense variant. On other transcripts: synonymous variant (1).
Genome position (GRCh38, 1-based): chr19:40,599,197, C>T. VCF-style: chr19-40599197-C-T. GRCh37 (hg19) VCF-style: chr19-41105103-C-T.
Other names: c.147C>T, p.Ser49= (NM_001042544.1); short protein forms A6V.
Identifiers: ClinVar variation 1417945 (VCV001417945.6), dbSNP rs1170777207, ClinGen allele CA405929491.